The following is an entry in ClinVar:

ClinVar aggregate classification (germline): Uncertain significance (1 of 4 stars; one submission).

Conditions:
Ataxia-telangiectasia-like disorder (ATLD). Identifiers: MedGen C1858391, MONDO:0011457.

Allele frequency attached by ClinVar (database versions not stated): gnomAD exomes below 0.00001.
gnomAD v4.1: 1 of 1,613,580 alleles (0.000062%); highest among the groups gnomAD compares: Non-Finnish European, 0.000085%; no homozygotes.

Submission:

Labcorp Genetics (formerly Invitae), Labcorp
Classification: Uncertain significance for Ataxia-telangiectasia-like disorder. Last evaluated: 2020-10-27. Review status: criteria provided, single submitter. Criteria: Invitae Variant Classification Sherloc (09022015). Collection method: clinical testing. Allele origin: germline.
Comment: This sequence change replaces proline with serine at codon 67 of the MRE11 protein (p.Pro67Ser). The proline residue is highly conserved and there is a moderate physicochemical difference between proline and serine. This variant is not present in population databases (ExAC no frequency). In summary, the available evidence is currently insufficient to determine the role of this variant in disease. Therefore, it has been classified as a Variant of Uncertain Significance. Algorithms developed to predict the effect of missense changes on protein structure and function are either unavailable or do not agree on the potential impact of this missense change (SIFT: "Deleterious"; PolyPhen-2: "Probably Damaging"; Align-GVGD: "Class C0"). This variant has not been reported in the literature in individuals with MRE11-related conditions.

NM_005591.4(MRE11):c.199C>T (p.Pro67Ser)

Gene: MRE11 (MRE11 double strand break repair nuclease; minus strand). Cytogenetic location: 11q21.
Variant type: single nucleotide variant.
Coding change: c.199C>T on transcript NM_005591.4 (MANE Select); coding-DNA position 199, C replaced by T.
Protein change: p.Pro67Ser; replaces proline 67 with serine.
Molecular consequence: missense variant.
Genome position (GRCh38, 1-based): chr11:94,486,039, G>A on the plus strand (C>T on the coding strand, the complement: MRE11 is on the minus strand). VCF-style: chr11-94486039-G-A. GRCh37 (hg19) VCF-style: chr11-94219205-G-A.
Other names: c.199C>T, p.Pro67Ser (NM_001330347.2, NM_005590.4); short protein forms P67S.
Identifiers: ClinVar variation 1681636 (VCV001681636.8), dbSNP rs2135122903, ClinGen allele CA382379755.